The following is an entry in ClinVar:

ClinVar aggregate classification (germline): Likely benign. Review status: criteria provided, multiple submitters, no conflicts (2 of 4 stars). 2 submissions from 2 submitters: Likely benign (2). Last evaluated 2024-06-22.

Conditions:
Epidermolysis bullosa simplex with nail dystrophy (EBS5D). Identifiers: MedGen C4225309, MONDO:0014661, OMIM 616487.
Epidermolysis bullosa simplex, Ogna type (EBS5A). Also called: Pidermolysis bullosa simplex 5A, Ogna type; EPIDERMOLYSIS BULLOSA SIMPLEX 5A, OGNA TYPE. Identifiers: Orphanet 79401, MedGen C0432317, MONDO:0007555, OMIM 131950.
Autosomal recessive limb-girdle muscular dystrophy type 2Q (LGMDR17). Also called: MUSCULAR DYSTROPHY, LIMB-GIRDLE, AUTOSOMAL RECESSIVE 17. Identifiers: Orphanet 254361, MedGen C3150989, MONDO:0013390, OMIM 613723.
Epidermolysis bullosa simplex 5B, with muscular dystrophy (EBS5B). Also called: EPIDERMOLYSIS BULLOSA SIMPLEX AND LIMB-GIRDLE MUSCULAR DYSTROPHY; Epidermolysis bullosa simplex with muscular dystrophy. Identifiers: Orphanet 257, MedGen C2931072, MONDO:0009181, OMIM 226670.
Epidermolysis bullosa simplex 5C, with pyloric atresia (EBS5C). Also called: PLEC-Related Epidermolysis Bullosa with Pyloric Atresia; Epidermolysis bullosa simplex with pyloric atresia; PLEC1-Related Epidermolysis Bullosa with Pyloric Atresia. Identifiers: Orphanet 158684, MedGen C2677349, MONDO:0012807, OMIM 612138.

Submissions (2):

Labcorp Genetics (formerly Invitae), Labcorp
Classification: Likely benign for Autosomal recessive limb-girdle muscular dystrophy type 2Q; Epidermolysis bullosa simplex, Ogna type; Epidermolysis bullosa simplex with nail dystrophy; Epidermolysis bullosa simplex 5C, with pyloric atresia; Epidermolysis bullosa simplex 5B, with muscular dystrophy. Last evaluated: 2024-06-22. Review status: criteria provided, single submitter. Criteria: Invitae Variant Classification Sherloc (09022015). Collection method: clinical testing. Allele origin: germline.

CeGaT Center for Human Genetics Tuebingen
Classification: Likely benign. Last evaluated: 2024-04-01. Review status: criteria provided, single submitter. Criteria: CeGaT Center For Human Genetics Tuebingen Variant Classification Criteria Version 2. Collection method: clinical testing. Allele origin: germline. Affected: yes. Observed: 1 variant allele.
Comment: PLEC: PM2:Supporting, BP4, BP7

NM_201384.3(PLEC):c.6309G>A (p.Glu2103=)

Gene: PLEC (plectin; minus strand). Cytogenetic location: 8q24.3.
Variant type: single nucleotide variant.
Coding change: c.6309G>A on transcript NM_201384.3 (MANE Select); coding-DNA position 6309, G replaced by A.
Protein change: p.Glu2103=; no amino-acid change (glutamic acid 2103 retained).
Molecular consequence: synonymous variant. On other transcripts: intron variant (1).
Genome position (GRCh38, 1-based): chr8:143,923,620, C>T on the plus strand (G>A on the coding strand, the complement: PLEC is on the minus strand). VCF-style: chr8-143923620-C-T. GRCh37 (hg19) VCF-style: chr8-144997788-C-T.
Other names: c.6390G>A, p.Glu2130= (NM_000445.5); c.6267G>A, p.Glu2089= (NM_201378.4); c.6243G>A, p.Glu2081= (NM_201379.3); c.6720G>A, p.Glu2240= (NM_201380.4); c.6213G>A, p.Glu2071= (NM_201381.3); c.6309G>A, p.Glu2103= (NM_201382.4); c.6321G>A, p.Glu2107= (NM_201383.3); c.4126-1225G>A (NM_001410941.1).
Identifiers: ClinVar variation 3234509 (VCV003234509.22), dbSNP rs781890668, ClinGen allele CA463534334.